The following is an entry in ClinVar:

NM_017777.4(MKS1):c.1094T>C (p.Met365Thr)

Gene: MKS1 (MKS transition zone complex subunit 1; minus strand). Cytogenetic location: 17q22.
Variant type: single nucleotide variant.
Coding change: c.1094T>C on transcript NM_017777.4 (MANE Select); coding-DNA position 1094, T replaced by C.
Protein change: p.Met365Thr; replaces methionine 365 with threonine.
Molecular consequence: missense variant.
Genome position (GRCh38, 1-based): chr17:58,208,514, A>G on the plus strand (T>C on the coding strand, the complement: MKS1 is on the minus strand). VCF-style: chr17-58208514-A-G. GRCh37 (hg19) VCF-style: chr17-56285875-A-G.
Other names: c.485T>C, p.Met162Thr (NM_001321268.2); c.1094T>C, p.Met365Thr (NM_001321269.2, NM_001330397.2, NM_001411113.1); short protein forms M365T, M162T.
Identifiers: ClinVar variation 2173564 (VCV002173564.1), dbSNP rs1968670584, ClinGen allele CA400325783.

ClinVar aggregate classification (germline): Uncertain significance (1 of 4 stars; one submission).

Conditions:
Joubert syndrome. Also called: CEREBELLOPARENCHYMAL DISORDER IV; JOUBERT-BOLTSHAUSER SYNDROME; Familial aplasia of the vermis. Identifiers: Orphanet 475, MedGen C5979921, MONDO:0018772.
Meckel-Gruber syndrome. Also called: DYSENCEPHALIA SPLANCHNOCYSTICA; GRUBER SYNDROME; Dysencephalia splachnocystica. Identifiers: Orphanet 564, MedGen C0265215, MONDO:0018921.

Allele frequency attached by ClinVar (database versions not stated): gnomAD exomes below 0.00001; TOPMed below 0.00001.
gnomAD v4.1: 2 of 1,613,704 alleles (0.00012%); highest among the groups gnomAD compares: Non-Finnish European, 0.00017%; no homozygotes.

Submission:

Labcorp Genetics (formerly Invitae), Labcorp
Classification: Uncertain significance for Joubert syndrome; Meckel-Gruber syndrome. Last evaluated: 2022-07-14. Review status: criteria provided, single submitter. Criteria: Invitae Variant Classification Sherloc (09022015). Collection method: clinical testing. Allele origin: germline.
Comment: This sequence change replaces methionine, which is neutral and non-polar, with threonine, which is neutral and polar, at codon 365 of the MKS1 protein (p.Met365Thr). This variant is not present in population databases (gnomAD no frequency). This variant has not been reported in the literature in individuals affected with MKS1-related conditions. Algorithms developed to predict the effect of missense changes on protein structure and function output the following: SIFT: "Tolerated"; PolyPhen-2: "Benign"; Align-GVGD: "Class C0". The threonine amino acid residue is found in multiple mammalian species, which suggests that this missense change does not adversely affect protein function. In summary, the available evidence is currently insufficient to determine the role of this variant in disease. Therefore, it has been classified as a Variant of Uncertain Significance.